The following is an entry in ClinVar:

NM_001363118.2(SLC52A2):c.400C>T (p.Pro134Ser)

Gene: SLC52A2 (solute carrier family 52 member 2; plus strand). Cytogenetic location: 8q24.3.
Variant type: single nucleotide variant.
Coding change: c.400C>T on transcript NM_001363118.2 (MANE Select); coding-DNA position 400, C replaced by T.
Protein change: p.Pro134Ser; replaces proline 134 with serine.
Molecular consequence: missense variant. On other transcripts: non-coding transcript variant (1), intron variant (1).
Genome position (GRCh38, 1-based): chr8:144,359,892, C>T. VCF-style: chr8-144359892-C-T. GRCh37 (hg19) VCF-style: chr8-145583552-C-T.
Other names: c.400C>T, p.Pro134Ser (NM_001253815.2, NM_001253816.2, NM_001363120.2 and 2 more transcripts); c.131-223C>T (NM_001363122.2); short protein forms P134S.
Identifiers: ClinVar variation 1517510 (VCV001517510.8), dbSNP rs1818720104, ClinGen allele CA372627077.

ClinVar aggregate classification (germline): Uncertain significance (1 of 4 stars; one submission).

Conditions:
Brown-Vialetto-van Laere syndrome 2. Also called: Riboflavin transporter deficiency type 2; SPINOCEREBELLAR ATAXIA WITH BLINDNESS AND DEAFNESS 2. Identifiers: Orphanet 572543, Orphanet 97229, MedGen C3553538, MONDO:0013867, OMIM 614707.

Allele frequency attached by ClinVar (database versions not stated): gnomAD exomes below 0.00001.

Submission:

Labcorp Genetics (formerly Invitae), Labcorp
Classification: Uncertain significance for Brown-Vialetto-van Laere syndrome 2. Last evaluated: 2021-03-18. Review status: criteria provided, single submitter. Criteria: Invitae Variant Classification Sherloc (09022015). Collection method: clinical testing. Allele origin: germline.
Comment: In summary, the available evidence is currently insufficient to determine the role of this variant in disease. Therefore, it has been classified as a Variant of Uncertain Significance. Advanced modeling of protein sequence and biophysical properties (such as structural, functional, and spatial information, amino acid conservation, physicochemical variation, residue mobility, and thermodynamic stability) performed at Invitae indicates that this missense variant is expected to disrupt SLC52A2 protein function. This variant has not been reported in the literature in individuals with SLC52A2-related conditions. This variant is not present in population databases (ExAC no frequency). This sequence change replaces proline with serine at codon 134 of the SLC52A2 protein (p.Pro134Ser). The proline residue is highly conserved and there is a moderate physicochemical difference between proline and serine.